The following is an entry in ClinVar:

ClinVar aggregate classification (germline): Uncertain significance. Review status: criteria provided, multiple submitters, no conflicts (2 of 4 stars). 2 submissions from 2 submitters: Uncertain significance (2). Last evaluated 2025-09-01.

Conditions:
Inborn genetic diseases. Identifiers: MedGen C0950123, MeSH D030342.

Allele frequency attached by ClinVar (database versions not stated): ExAC 0.00001; gnomAD exomes 0.00001 and 0.00003; TOPMed 0.00001; gnomAD 0.00002.
gnomAD v4.1: 14 of 1,614,056 alleles (0.00087%); highest among the groups gnomAD compares: East Asian, 0.0022%; no homozygotes.

Submissions (2):

Ambry Genetics
Classification: Uncertain significance for Inborn genetic diseases. Last evaluated: 2025-09-01. Review status: criteria provided, single submitter. Criteria: Ambry Variant Classification Scheme 2023. Collection method: clinical testing. Allele origin: germline.

Labcorp Genetics (formerly Invitae), Labcorp
Classification: Uncertain significance for Combined immunodeficiency due to DOCK8 deficiency. Last evaluated: 2022-07-17. Review status: criteria provided, single submitter. Criteria: Invitae Variant Classification Sherloc (09022015). Collection method: clinical testing. Allele origin: germline.
Comment: This variant is present in population databases (rs775027247, gnomAD 0.006%). This sequence change replaces lysine, which is basic and polar, with arginine, which is basic and polar, at codon 920 of the DOCK8 protein (p.Lys920Arg). This variant has not been reported in the literature in individuals affected with DOCK8-related conditions. In summary, the available evidence is currently insufficient to determine the role of this variant in disease. Therefore, it has been classified as a Variant of Uncertain Significance. Algorithms developed to predict the effect of missense changes on protein structure and function output the following: SIFT: "Deleterious"; PolyPhen-2: "Benign"; Align-GVGD: "Class C0". The arginine amino acid residue is found in multiple mammalian species, which suggests that this missense change does not adversely affect protein function. ClinVar contains an entry for this variant (Variation ID: 1024585).

NM_203447.4(DOCK8):c.2759A>G (p.Lys920Arg)

Gene: DOCK8 (dedicator of cytokinesis 8; plus strand). Cytogenetic location: 9p24.3.
Variant type: single nucleotide variant.
Coding change: c.2759A>G on transcript NM_203447.4 (MANE Select); coding-DNA position 2759, A replaced by G.
Protein change: p.Lys920Arg; replaces lysine 920 with arginine.
Molecular consequence: missense variant.
Genome position (GRCh38, 1-based): chr9:382,666, A>G. VCF-style: chr9-382666-A-G. GRCh37 (hg19) VCF-style: chr9-382666-A-G.
Other names: c.2759A>G (NM_203447.3); c.2555A>G, p.Lys852Arg (NM_001190458.2, NM_001193536.2); short protein forms K852R, K920R.
Identifiers: ClinVar variation 1024585 (VCV001024585.9), dbSNP rs775027247, ClinGen allele CA4958316.
Genomic context (GRCh38, chr9:382,666, plus strand): 5'-TGATGAGCAGCAGTAACCCAGACCTCGCGGGGACACACTCCGCAGCAGACGAGGAAGTGA[A>G]GAACATCATGTCTTCAAAGGTAGGAAAGATGTCAAACCGTGGAAGGGGACACAGGCTTTT-3'
Protein context (NP_982272.2, residues 910-930): GTHSAADEEV[Lys920Arg]NIMSSKIADR